The following is an entry in ClinVar:

ClinVar aggregate classification (germline): Uncertain significance. Review status: criteria provided, multiple submitters, no conflicts (2 of 4 stars). 3 submissions from 3 submitters: Uncertain significance (2). 1 of the submissions does not count toward it. Last evaluated 2026-02-02.

Conditions:
GRN-related frontotemporal lobar degeneration with Tdp43 inclusions (FTD2). Also called: DEMENTIA, HEREDITARY DYSPHASIC DISINHIBITION; FRONTOTEMPORAL LOBAR DEGENERATION WITH UBIQUITIN-POSITIVE INCLUSIONS; FTLD-TDP, GRN-RELATED; FRONTOTEMPORAL DEMENTIA WITH TDP43 INCLUSIONS, GRN-RELATED; GRN Frontotemporal Dementia. Identifiers: Orphanet 100070, Orphanet 282, MedGen C1843792, MONDO:0011842, OMIM 607485. Disease mechanism: loss of function.
Neuronal ceroid lipofuscinosis 11. Also called: GRN-Related Neuronal Ceroid-Lipofuscinosis. Identifiers: Orphanet 314629, Orphanet 79262, MedGen C3539123, MONDO:0013866, OMIM 614706.

Allele frequency attached by ClinVar (database versions not stated): ExAC 0.00003; gnomAD exomes 0.00009 and 0.00004; ESP Exome Variant Server 0.00008; gnomAD 0.00003; TOPMed 0.00003.
gnomAD v4.1: 127 of 1,613,628 alleles (0.0079%); highest among the groups gnomAD compares: Non-Finnish European, 0.011%; no homozygotes.

Submissions (3):

Labcorp Genetics (formerly Invitae), Labcorp
Classification: Uncertain significance for Neuronal ceroid lipofuscinosis 11; GRN-related frontotemporal lobar degeneration with Tdp43 inclusions. Last evaluated: 2026-02-02. Review status: criteria provided, single submitter. Criteria: Invitae Variant Classification Sherloc (09022015). Collection method: clinical testing. Allele origin: germline.
Comment: This sequence change replaces glutamic acid, which is acidic and polar, with aspartic acid, which is acidic and polar, at codon 287 of the GRN protein (p.Glu287Asp). This variant is present in population databases (rs63750565, gnomAD 0.008%). This missense change has been observed in individual(s) with GRN-related conditions (PMID: 16950801). ClinVar contains an entry for this variant (Variation ID: 98158). Invitae Evidence Modeling of protein sequence and biophysical properties (such as structural, functional, and spatial information, amino acid conservation, physicochemical variation, residue mobility, and thermodynamic stability) indicates that this missense variant is expected to disrupt GRN protein function with a positive predictive value of 80%. In summary, the available evidence is currently insufficient to determine the role of this variant in disease. Therefore, it has been classified as a Variant of Uncertain Significance.

Clinical Genetics Laboratory, Skane University Hospital Lund
Classification: Uncertain significance for GRN-related frontotemporal lobar degeneration with Tdp43 inclusions. Last evaluated: 2025-09-03. Review status: criteria provided, single submitter. Criteria: ACMG Guidelines, 2015. Collection method: clinical testing. Allele origin: germline. Affected: yes.
Comment: ACMG criteria used: PS4, BP4

VIB  Department of Molecular Genetics, University of Antwerp
No classification provided. Review status: no classification provided. Collection method: not provided. Allele origin: unknown. Not counted in ClinVar's aggregate classification.

Literature cited by the submitters: PubMed 16950801 (cited by Labcorp Genetics (formerly Invitae), Labcorp).

NM_002087.4(GRN):c.861G>C (p.Glu287Asp)

Gene: GRN (granulin precursor; plus strand). Cytogenetic location: 17q21.31.
Variant type: single nucleotide variant.
Coding change: c.861G>C on transcript NM_002087.4 (MANE Select); coding-DNA position 861, G replaced by C.
Protein change: p.Glu287Asp; replaces glutamic acid 287 with aspartic acid.
Molecular consequence: missense variant.
Genome position (GRCh38, 1-based): chr17:44,351,388, G>C. VCF-style: chr17-44351388-G-C. GRCh37 (hg19) VCF-style: chr17-42428756-G-C.
Other names: short protein forms E287D.
Identifiers: ClinVar variation 98158 (VCV000098158.6), dbSNP rs63750565, ClinGen allele CA225286.